The following is an entry in ClinVar:

ClinVar aggregate classification (germline): Likely benign. Review status: criteria provided, multiple submitters, no conflicts (2 of 4 stars). 2 submissions from 2 submitters: Likely benign (2). Last evaluated 2024-10-22.

Allele frequency attached by ClinVar (database versions not stated): gnomAD exomes 0.00064; ExAC 0.00107; ESP Exome Variant Server 0.00264; 1000 Genomes Project 30x 0.00375; 1000 Genomes Project 0.00379; gnomAD 0.00407; TOPMed 0.00480.
gnomAD v4.1: 1,142 of 1,537,840 alleles (0.074%); highest among the groups gnomAD compares: African/African-American, 1.5%; 8 homozygotes.

Submissions (2):

Blueprint Genetics
Classification: Likely benign. Last evaluated: 2024-10-22. Review status: criteria provided, single submitter. Criteria: ACMG Guidelines, 2015. Collection method: clinical testing. Allele origin: germline.

GeneDx
Classification: Likely benign. Last evaluated: 2017-10-05. Review status: criteria provided, single submitter. Criteria: GeneDx Variant Classification (06012015). Collection method: clinical testing. Allele origin: germline. Affected: yes.
Comment: This variant is considered likely benign or benign based on one or more of the following criteria: it is a conservative change, it occurs at a poorly conserved position in the protein, it is predicted to be benign by multiple in silico algorithms, and/or has population frequency not consistent with disease.

NM_005984.5(SLC25A1):c.95-52G>C

Gene: SLC25A1 (solute carrier family 25 member 1; minus strand). Cytogenetic location: 22q11.21.
Variant type: single nucleotide variant.
Coding change: c.95-52G>C on transcript NM_005984.5 (MANE Select); 52 bases into the intron before coding-DNA position 95, G replaced by C.
Molecular consequence: intron variant. On other transcripts: missense variant (1).
Genome position (GRCh38, 1-based): chr22:19,178,292, C>G on the plus strand (G>C on the coding strand, the complement: SLC25A1 is on the minus strand). VCF-style: chr22-19178292-C-G. GRCh37 (hg19) VCF-style: chr22-19165805-C-G.
Other names: c.64G>C, p.Glu22Gln (NM_001256534.2); c.-215-52G>C (NM_001287387.2); short protein forms E22Q.
Identifiers: ClinVar variation 385609 (VCV000385609.2), dbSNP rs369464760, ClinGen allele CA10097529.